The following is an entry in ClinVar:

NM_000038.6(APC):c.10G>A (p.Ala4Thr)

Gene: APC (APC regulator of Wnt signaling pathway; plus strand). Cytogenetic location: 5q22.2.
Variant type: single nucleotide variant.
Coding change: c.10G>A on transcript NM_000038.6 (MANE Select); coding-DNA position 10, G replaced by A.
Protein change: p.Ala4Thr; replaces alanine 4 with threonine.
Molecular consequence: missense variant. On other transcripts: 5 prime UTR variant (1), intron variant (8).
Genome position (GRCh38, 1-based): chr5:112,754,900, G>A. VCF-style: chr5-112754900-G-A. GRCh37 (hg19) VCF-style: chr5-112090597-G-A.
Other names: c.10G>A, p.Ala4Thr (NM_001127510.3, NM_001354895.2, NM_001354896.2 and 2 more transcripts); c.-1026G>A (NM_001354906.2); c.166-11426G>A (NM_001354897.2, NM_001354902.2, NM_001127511.3); c.61-11426G>A (NM_001354898.2, NM_001354904.2); c.-42-11426G>A (NM_001354900.2, NM_001354901.2, NM_001354905.2); short protein forms A4T.
Identifiers: ClinVar variation 801025 (VCV000801025.9), dbSNP rs774219012, ClinGen allele CA16021355.

ClinVar aggregate classification (germline): Uncertain significance. Review status: criteria provided, multiple submitters, no conflicts (2 of 4 stars). 4 submissions from 4 submitters: Uncertain significance (4). Last evaluated 2025-07-15.

Conditions:
Familial adenomatous polyposis 1 (FAP1). Also called: POLYPOSIS, ADENOMATOUS INTESTINAL; FAMILIAL ADENOMATOUS POLYPOSIS 1, ATTENUATED. Identifiers: MedGen C2713442, MONDO:0021056, OMIM 175100. Disease mechanism: loss of function.
Hereditary cancer-predisposing syndrome. Also called: Tumor predisposition; Neoplastic Syndromes, Hereditary; Hereditary Cancer Syndrome; Hereditary neoplastic syndrome. Identifiers: Orphanet 140162, MedGen C0027672, MeSH D009386, MONDO:0015356.

Submissions (4):

Color Diagnostics, LLC DBA Color Health
Classification: Uncertain significance for Hereditary cancer-predisposing syndrome. Last evaluated: 2025-07-15. Review status: criteria provided, single submitter. Criteria: ACMG Guidelines, 2015. Collection method: clinical testing. Allele origin: germline.
Comment: This missense variant replaces alanine with threonine at codon 4 of the APC protein. Computational prediction suggests that this variant may not impact protein structure and function. To our knowledge, functional studies have not been reported for this variant. This variant has not been reported in individuals affected with APC-related disorders in the literature. This variant has not been identified in the general population by the Genome Aggregation Database (gnomAD). The available evidence is insufficient to determine the role of this variant in disease conclusively. Therefore, this variant is classified as a Variant of Uncertain Significance.

Labcorp Genetics (formerly Invitae), Labcorp
Classification: Uncertain significance for Familial adenomatous polyposis 1. Last evaluated: 2025-04-09. Review status: criteria provided, single submitter. Criteria: Invitae Variant Classification Sherloc (09022015). Collection method: clinical testing. Allele origin: germline.
Comment: This sequence change replaces alanine, which is neutral and non-polar, with threonine, which is neutral and polar, at codon 4 of the APC protein (p.Ala4Thr). This variant is not present in population databases (gnomAD no frequency). This variant has not been reported in the literature in individuals affected with APC-related conditions. ClinVar contains an entry for this variant (Variation ID: 801025). Invitae Evidence Modeling of protein sequence and biophysical properties (such as structural, functional, and spatial information, amino acid conservation, physicochemical variation, residue mobility, and thermodynamic stability) indicates that this missense variant is not expected to disrupt APC protein function with a negative predictive value of 95%. In summary, the available evidence is currently insufficient to determine the role of this variant in disease. Therefore, it has been classified as a Variant of Uncertain Significance.

Ambry Genetics
Classification: Uncertain significance for Hereditary cancer-predisposing syndrome. Last evaluated: 2023-01-26. Review status: criteria provided, single submitter. Criteria: Ambry Variant Classification Scheme 2023. Collection method: clinical testing. Allele origin: germline.
Comment: The p.A4T variant (also known as c.10G>A), located in coding exon 1 of the APC gene, results from a G to A substitution at nucleotide position 10. The alanine at codon 4 is replaced by threonine, an amino acid with similar properties. This amino acid position is highly conserved in available vertebrate species. In addition, in silico predictors for this gene do not accurately predict pathogenicity. Since supporting evidence is limited at this time, the clinical significance of this alteration remains unclear.

Quest Diagnostics Nichols Institute San Juan Capistrano
Classification: Uncertain significance. Last evaluated: 2018-10-17. Review status: criteria provided, single submitter. Criteria: Quest Diagnostics criteria. Collection method: clinical testing. Allele origin: germline.